The following is an entry in ClinVar:

NM_002578.5(PAK3):c.1379C>A (p.Pro460His)

Gene: PAK3 (p21 (RAC1) activated kinase 3; plus strand). Cytogenetic location: Xq23.
Variant type: single nucleotide variant.
Coding change: c.1379C>A on transcript NM_002578.5 (MANE Select); coding-DNA position 1379, C replaced by A.
Protein change: p.Pro460His; replaces proline 460 with histidine.
Molecular consequence: missense variant. On other transcripts: non-coding transcript variant (2).
Genome position (GRCh38, 1-based): chrX:111,196,612, C>A. VCF-style: chrX-111196612-C-A. GRCh37 (hg19) VCF-style: chrX-110439840-C-A.
Other names: c.1379C>A, p.Pro460His (NM_001128166.3, NM_001128167.3, NM_001324325.2 and 5 more transcripts); c.1487C>A, p.Pro496His (NM_001128168.3); c.1442C>A, p.Pro481His (NM_001128172.2); c.1424C>A, p.Pro475His (NM_001128173.3, NM_001324327.2, NM_001324328.2 and 2 more transcripts); short protein forms P460H, P475H, P481H, P496H.
Identifiers: ClinVar variation 1309143 (VCV001309143.2), dbSNP rs2149331941, ClinGen allele CA414239959.
Genomic context (GRCh38, chrX:111,196,612, plus strand): 5'-GTCCGAAAGTTGATATCTGGTCTCTTGGAATTATGGCAATTGAAATGGTGGAAGGTGAAC[C>A]CCCTTACCTTAATGAAAATCCACTCAGGGTAAGTCAGAAGAGAAGTCAGGTACTTTATTC-3'
Protein context (NP_002569.1, residues 450-470): IMAIEMVEGE[Pro460His]PYLNENPLRA

ClinVar aggregate classification (germline): Uncertain significance (1 of 4 stars; one submission).

Submission:

GeneDx
Classification: Uncertain significance. Last evaluated: 2019-10-17. Review status: criteria provided, single submitter. Criteria: GeneDx Variant Classification Process June 2021. Collection method: clinical testing. Allele origin: germline. Affected: yes.
Comment: Has not been previously published as pathogenic or benign to our knowledge; Not observed in large population cohorts (Lek et al., 2016); In silico analysis, which includes protein predictors and evolutionary conservation, supports a deleterious effect